The following is an entry in ClinVar:

ClinVar aggregate classification (germline): Uncertain significance. Review status: criteria provided, multiple submitters, no conflicts (2 of 4 stars). 2 submissions from 2 submitters: Uncertain significance (2). Last evaluated 2025-02-13.

Conditions:
Lipodystrophy, partial, acquired, susceptibility to (APLD). Also called: APLD, SUSCEPTIBILITY TO. Identifiers: MedGen C3887501, MONDO:0100476, OMIM 608709.
Progressive myoclonic epilepsy type 9. Identifiers: Orphanet 457265, MedGen C4225289, MONDO:0014685, OMIM 616540.

Allele frequency attached by ClinVar (database versions not stated): gnomAD exomes below 0.00001 and 0.00001; gnomAD 0.00001; TOPMed 0.00002.
gnomAD v4.1: 18 of 1,613,174 alleles (0.0011%); highest among the groups gnomAD compares: Admixed American, 0.0017%; no homozygotes.

Submissions (2):

Ambry Genetics
Classification: Uncertain significance. Last evaluated: 2025-02-13. Review status: criteria provided, single submitter. Criteria: Ambry Variant Classification Scheme 2023. Collection method: clinical testing. Allele origin: germline.

Labcorp Genetics (formerly Invitae), Labcorp
Classification: Uncertain significance for Progressive myoclonic epilepsy type 9; Lipodystrophy, partial, acquired, susceptibility to. Last evaluated: 2023-03-26. Review status: criteria provided, single submitter. Criteria: Invitae Variant Classification Sherloc (09022015). Collection method: clinical testing. Allele origin: germline.
Comment: In summary, the available evidence is currently insufficient to determine the role of this variant in disease. Therefore, it has been classified as a Variant of Uncertain Significance. Advanced modeling of protein sequence and biophysical properties (such as structural, functional, and spatial information, amino acid conservation, physicochemical variation, residue mobility, and thermodynamic stability) performed at Invitae indicates that this missense variant is expected to disrupt LMNB2 protein function. ClinVar contains an entry for this variant (Variation ID: 1469398). This variant has not been reported in the literature in individuals affected with LMNB2-related conditions. The frequency data for this variant in the population databases is considered unreliable, as metrics indicate poor data quality at this position in the gnomAD database. This sequence change replaces arginine, which is basic and polar, with histidine, which is basic and polar, at codon 524 of the LMNB2 protein (p.Arg524His).

NM_032737.4(LMNB2):c.1571G>A (p.Arg524His)

Gene: LMNB2 (lamin B2; minus strand). Cytogenetic location: 19p13.3.
Variant type: single nucleotide variant.
Coding change: c.1571G>A on transcript NM_032737.4 (MANE Select); coding-DNA position 1571, G replaced by A.
Protein change: p.Arg524His; replaces arginine 524 with histidine.
Molecular consequence: missense variant.
Genome position (GRCh38, 1-based): chr19:2,432,435, C>T on the plus strand (G>A on the coding strand, the complement: LMNB2 is on the minus strand). VCF-style: chr19-2432435-C-T. GRCh37 (hg19) VCF-style: chr19-2432433-C-T.
Other names: c.1511G>A (NM_032737.2); short protein forms R524H.
Identifiers: ClinVar variation 1469398 (VCV001469398.9), dbSNP rs953502420, ClinGen allele CA304223601.